The following is an entry in ClinVar:

NM_001042472.3(ABHD12):c.65C>G (p.Ser22Cys)

Genes: ABHD12 (abhydrolase domain containing 12, lysophospholipase; minus strand), LOC130065586 (ATAC-STARR-seq lymphoblastoid silent region 12752; plus strand). Cytogenetic location: 20p11.21.
Variant type: single nucleotide variant.
Coding change: c.65C>G on transcript NM_001042472.3 (MANE Select); coding-DNA position 65, C replaced by G.
Protein change: p.Ser22Cys; replaces serine 22 with cysteine.
Molecular consequence: missense variant.
Genome position (GRCh38, 1-based): chr20:25,390,639, G>C on the plus strand (C>G on the coding strand, the complement: ABHD12 is on the minus strand). VCF-style: chr20-25390639-G-C. GRCh37 (hg19) VCF-style: chr20-25371275-G-C.
Other names: c.65C>G, p.Ser22Cys (NM_015600.5); c.65C>G (NM_001042472.2); short protein forms S22C.
Identifiers: ClinVar variation 1379172 (VCV001379172.5), dbSNP rs1478859533, ClinGen allele CA408445265.

ClinVar aggregate classification (germline): Uncertain significance. Review status: criteria provided, multiple submitters, no conflicts (2 of 4 stars). 3 submissions from 3 submitters: Uncertain significance (3). Last evaluated 2025-01-03.

Conditions:
Inborn genetic diseases. Identifiers: MedGen C0950123, MeSH D030342.

gnomAD v4.1: 7 of 1,452,924 alleles (0.00048%); highest among the groups gnomAD compares: Non-Finnish European, 0.00054%; no homozygotes.

Submissions (3):

Ambry Genetics
Classification: Uncertain significance for Inborn genetic diseases. Last evaluated: 2025-01-03. Review status: criteria provided, single submitter. Criteria: Ambry Variant Classification Scheme 2023. Collection method: clinical testing. Allele origin: germline.

Labcorp Genetics (formerly Invitae), Labcorp
Classification: Uncertain significance. Last evaluated: 2022-06-05. Review status: criteria provided, single submitter. Criteria: Invitae Variant Classification Sherloc (09022015). Collection method: clinical testing. Allele origin: germline.
Comment: This sequence change replaces serine, which is neutral and polar, with cysteine, which is neutral and slightly polar, at codon 22 of the ABHD12 protein (p.Ser22Cys). This variant is not present in population databases (gnomAD no frequency). This variant has not been reported in the literature in individuals affected with ABHD12-related conditions. ClinVar contains an entry for this variant (Variation ID: 1379172). Algorithms developed to predict the effect of missense changes on protein structure and function are either unavailable or do not agree on the potential impact of this missense change (SIFT: "Deleterious"; PolyPhen-2: "Benign"; Align-GVGD: "Class C0"). In summary, the available evidence is currently insufficient to determine the role of this variant in disease. Therefore, it has been classified as a Variant of Uncertain Significance.

Blueprint Genetics
Classification: Uncertain significance. Last evaluated: 2021-08-13. Review status: criteria provided, single submitter. Criteria: ACMG Guidelines, 2015. Collection method: clinical testing. Allele origin: germline.